The following is an entry in ClinVar:

ClinVar aggregate classification (germline): Uncertain significance (1 of 4 stars; one submission).

Allele frequency attached by ClinVar (database versions not stated): gnomAD exomes below 0.00001.
gnomAD v4.1: 1 of 1,470,266 alleles (0.000068%); highest among the groups gnomAD compares: South Asian, 0.0013%; no homozygotes.

Submission:

Labcorp Genetics (formerly Invitae), Labcorp
Classification: Uncertain significance. Last evaluated: 2024-02-24. Review status: criteria provided, single submitter. Criteria: Invitae Variant Classification Sherloc (09022015). Collection method: clinical testing. Allele origin: germline.
Comment: This sequence change replaces leucine, which is neutral and non-polar, with proline, which is neutral and non-polar, at codon 19 of the LONP1 protein (p.Leu19Pro). This variant is not present in population databases (gnomAD no frequency). This variant has not been reported in the literature in individuals affected with LONP1-related conditions. ClinVar contains an entry for this variant (Variation ID: 1393058). Algorithms developed to predict the effect of missense changes on protein structure and function output the following: SIFT: "Not Available"; PolyPhen-2: "Probably Damaging"; Align-GVGD: "Not Available". The proline amino acid residue is found in multiple mammalian species, which suggests that this missense change does not adversely affect protein function. In summary, the available evidence is currently insufficient to determine the role of this variant in disease. Therefore, it has been classified as a Variant of Uncertain Significance.

NM_004793.4(LONP1):c.56T>C (p.Leu19Pro)

Gene: LONP1 (lon peptidase 1, mitochondrial; minus strand). Cytogenetic location: 19p13.3.
Variant type: single nucleotide variant.
Coding change: c.56T>C on transcript NM_004793.4 (MANE Select); coding-DNA position 56, T replaced by C.
Protein change: p.Leu19Pro; replaces leucine 19 with proline.
Molecular consequence: missense variant. On other transcripts: non-coding transcript variant (1), intron variant (1).
Genome position (GRCh38, 1-based): chr19:5,720,077, A>G on the plus strand (T>C on the coding strand, the complement: LONP1 is on the minus strand). VCF-style: chr19-5720077-A-G. GRCh37 (hg19) VCF-style: chr19-5720088-A-G.
Other names: c.56T>C, p.Leu19Pro (NM_001276479.2); c.-160+142T>C (NM_001276480.1); short protein forms L19P.
Identifiers: ClinVar variation 1393058 (VCV001393058.6), dbSNP rs1383459415, ClinGen allele CA403544741.